The following is an entry in ClinVar:

ClinVar aggregate classification (germline): Uncertain significance (1 of 4 stars; one submission).

Submission:

Labcorp Genetics (formerly Invitae), Labcorp
Classification: Uncertain significance. Last evaluated: 2021-11-22. Review status: criteria provided, single submitter. Criteria: Invitae Variant Classification Sherloc (09022015). Collection method: clinical testing. Allele origin: germline.
Comment: In summary, the available evidence is currently insufficient to determine the role of this variant in disease. Therefore, it has been classified as a Variant of Uncertain Significance. Algorithms developed to predict the effect of missense changes on protein structure and function are either unavailable or do not agree on the potential impact of this missense change (SIFT: "Not Available"; PolyPhen-2: "Benign"; Align-GVGD: "Not Available"). This variant has not been reported in the literature in individuals affected with UNC45A-related conditions. This variant is not present in population databases (gnomAD no frequency). This sequence change replaces proline, which is neutral and non-polar, with alanine, which is neutral and non-polar, at codon 287 of the UNC45A protein (p.Pro287Ala).

NM_018671.5(UNC45A):c.859C>G (p.Pro287Ala)

Gene: UNC45A (unc-45 myosin chaperone A; plus strand). Cytogenetic location: 15q26.1.
Variant type: single nucleotide variant.
Coding change: c.859C>G on transcript NM_018671.5 (MANE Select); coding-DNA position 859, C replaced by G.
Protein change: p.Pro287Ala; replaces proline 287 with alanine.
Molecular consequence: missense variant.
Genome position (GRCh38, 1-based): chr15:90,942,914, C>G. VCF-style: chr15-90942914-C-G. GRCh37 (hg19) VCF-style: chr15-91486144-C-G.
Other names: c.814C>G, p.Pro272Ala (NM_001039675.2, NM_001323621.2); c.859C>G, p.Pro287Ala (NM_001323619.1); c.424C>G, p.Pro142Ala (NM_001323620.2); short protein forms P272A, P142A, P287A.
Identifiers: ClinVar variation 1394430 (VCV001394430.6), dbSNP rs2151362814, ClinGen allele CA393852867.